The following is an entry in ClinVar:

ClinVar aggregate classification (germline): Benign/Likely benign. Review status: criteria provided, multiple submitters, no conflicts (2 of 4 stars). 10 submissions from 10 submitters: Benign (4); Likely benign (4). 2 of the submissions do not count toward it. Last evaluated 2026-09-01.

Conditions:
Hennekam lymphangiectasia-lymphedema syndrome 2 (HKLLS2). Identifiers: Orphanet 2136, MedGen C4014939, MONDO:0014454, OMIM 616006.
Van Maldergem syndrome 2 (VMLDS2). Identifiers: Orphanet 314679, MedGen C3809875, MONDO:0014242, OMIM 615546.

Allele frequency attached by ClinVar (database versions not stated): TOPMed 0.00918; 1000 Genomes Project 30x 0.00937; 1000 Genomes Project 0.00958; gnomAD 0.00978 and 0.01009; ESP Exome Variant Server 0.01061; ExAC 0.01119.

Submissions (10):

CeGaT Center for Human Genetics Tuebingen
Classification: Benign. Last evaluated: 2026-09-01. Review status: criteria provided, single submitter. Criteria: CeGaT Center For Human Genetics Tuebingen Variant Classification Criteria Version 2. Collection method: clinical testing. Allele origin: germline. Affected: yes. Observed: 52 variant alleles.
Comment: FAT4: BP4, BS1, BS2

Labcorp Genetics (formerly Invitae), Labcorp
Classification: Benign. Last evaluated: 2026-02-04. Review status: criteria provided, single submitter. Criteria: Invitae Variant Classification Sherloc (09022015). Collection method: clinical testing. Allele origin: germline.

Blueprint Genetics
Classification: Likely benign. Last evaluated: 2024-11-25. Review status: criteria provided, single submitter. Criteria: ACMG Guidelines, 2015. Collection method: clinical testing. Allele origin: germline.

Fulgent Genetics
Classification: Benign for Van Maldergem syndrome 2; Hennekam lymphangiectasia-lymphedema syndrome 2. Last evaluated: 2022-04-25. Review status: criteria provided, single submitter. Criteria: ACMG Guidelines, 2015. Collection method: clinical testing. Allele origin: unknown.

Center for Pediatric Genomic Medicine, Children's Mercy Hospital and Clinics
Classification: Likely benign. Last evaluated: 2017-01-04. Review status: criteria provided, single submitter. Criteria: ACMG Guidelines, 2015. Collection method: clinical testing. Allele origin: germline.
ClinVar note: Converted during submission from Likely Benign to Likely benign.

GeneDx
Classification: Benign. Last evaluated: 2016-04-28. Review status: criteria provided, single submitter. Criteria: GeneDx Variant Classification (06012015). Collection method: clinical testing. Allele origin: germline. Affected: yes.
Comment: This variant is considered likely benign or benign based on one or more of the following criteria: it is a conservative change, it occurs at a poorly conserved position in the protein, it is predicted to be benign by multiple in silico algorithms, and/or has population frequency not consistent with disease.

Laboratory for Molecular Medicine, Mass General Brigham Personalized Medicine
Classification: Likely benign. Last evaluated: 2016-03-29. Review status: criteria provided, single submitter. Criteria: LMM Criteria. Collection method: clinical testing. Allele origin: germline.
Comment: Variant identified in a genome or exome case(s) and assessed due to predicted null impact of the variant or pathogenic assertions in the literature or databases. Disclaimer: This variant has not undergone full assessment. The following are preliminary notes: 3% of E. Asian chromosomes in ExAC

Breakthrough Genomics
Classification: Likely benign. Review status: criteria provided, single submitter. Criteria: ACMG Guidelines, 2015. Collection method: not provided. Allele origin: germline. Inheritance: Autosomal recessive inheritance. Affected: yes.

Clinical Genetics DNA and cytogenetics Diagnostics Lab, Erasmus MC, Erasmus Medical Center
Classification: Likely benign. Review status: no assertion criteria provided. Collection method: clinical testing. Allele origin: germline. Affected: yes. Study: VKGL Data-share Consensus. Not counted in ClinVar's aggregate classification.

Clinical Genetics, Academic Medical Center
Classification: Benign. Review status: no assertion criteria provided. Collection method: clinical testing. Allele origin: germline. Affected: yes. Study: VKGL Data-share Consensus. Not counted in ClinVar's aggregate classification.

NM_001291303.3(FAT4):c.10810A>C (p.Ile3604Leu)

Gene: FAT4 (FAT atypical cadherin 4; plus strand). Cytogenetic location: 4q28.1.
Variant type: single nucleotide variant.
Coding change: c.10810A>C on transcript NM_001291303.3 (MANE Select); coding-DNA position 10810, A replaced by C.
Protein change: p.Ile3604Leu; replaces isoleucine 3604 with leucine.
Molecular consequence: missense variant.
Genome position (GRCh38, 1-based): chr4:125,451,820, A>C. VCF-style: chr4-125451820-A-C. GRCh37 (hg19) VCF-style: chr4-126372975-A-C.
Other names: c.10810A>C, p.Ile3604Leu (NM_001291285.3); c.10804A>C, p.Ile3602Leu (NM_024582.6); short protein forms I3604L, I3602L.
Identifiers: ClinVar variation 377311 (VCV000377311.48), dbSNP rs76491994, ClinGen allele CA3073741.